The following is an entry in ClinVar:

ClinVar aggregate classification (germline): Likely benign (0 of 4 stars; one submission).

Allele frequency attached by ClinVar (database versions not stated): gnomAD exomes 0.00008 and 0.00018; ExAC 0.00035; 1000 Genomes Project 0.00053; 1000 Genomes Project 30x 0.00062; gnomAD 0.00070 and 0.00073; TOPMed 0.00086; ESP Exome Variant Server 0.00151.
gnomAD v4.1: 180 of 1,209,149 alleles (0.015%); highest among the groups gnomAD compares: African/African-American, 0.27%; no homozygotes.

Submission:

Department of Pathology and Laboratory Medicine, Sinai Health System
Classification: Likely benign. Review status: no assertion criteria provided. Collection method: clinical testing. Allele origin: unknown. Affected: yes. Study: The Canadian Open Genetics Repository (COGR).
Comment: The HDAC6 p.Gly73Ala variant was not identified in the literature nor was it identified in ClinVar. The variant was identified in dbSNP (ID: rs145349858) and LOVD 3.0. The variant was identified in control databases in 39 of 200969 chromosomes (12 hemizygous) at a frequency of 0.0001941 (Genome Aggregation Database March 6, 2019, v2.1.1). The variant was observed in the following populations: African in 37 of 18780 chromosomes (freq: 0.00197), South Asian in 1 of 18365 chromosomes (freq: 0.000054) and Latino in 1 of 27713 chromosomes (freq: 0.000036), but was not observed in the Ashkenazi Jewish, East Asian, European (Finnish), European (non-Finnish), or Other populations. The p.Gly73 residue is conserved in mammals but not in more distantly related organisms however computational analyses (PolyPhen-2, SIFT, AlignGVGD, BLOSUM, MutationTaster) do not suggest a high likelihood of impact to the protein; this information is not predictive enough to rule out pathogenicity. The variant occurs outside of the splicing consensus sequence and in silico or computational prediction software programs (SpliceSiteFinder, MaxEntScan, NNSPLICE, GeneSplicer) do not predict a difference in splicing. In summary, based on the above information the clinical significance of this variant cannot be determined with certainty at this time although we would lean towards a more benign role for this variant. This variant is classified as likely benign.

NM_006044.4(HDAC6):c.218G>C (p.Gly73Ala)

Gene: HDAC6 (histone deacetylase 6; plus strand). Cytogenetic location: Xp11.23.
Variant type: single nucleotide variant.
Coding change: c.218G>C on transcript NM_006044.4 (MANE Select); coding-DNA position 218, G replaced by C.
Protein change: p.Gly73Ala; replaces glycine 73 with alanine.
Molecular consequence: missense variant. On other transcripts: non-coding transcript variant (3).
Genome position (GRCh38, 1-based): chrX:48,802,995, G>C. VCF-style: chrX-48802995-G-C. GRCh37 (hg19) VCF-style: chrX-48661402-G-C.
Other names: c.260G>C, p.Gly87Ala (NM_001321225.2); c.218G>C, p.Gly73Ala (NM_001321226.2, NM_001321227.2, NM_001321228.2 and 3 more transcripts); short protein forms G73A, G87A.
Identifiers: ClinVar variation 1050458 (VCV001050458.1), dbSNP rs145349858, ClinGen allele CA10404788.